The following is an entry in ClinVar:

NM_018668.5(VPS33B):c.1193G>A (p.Arg398His)

Gene: VPS33B (VPS33B late endosome and lysosome associated; minus strand). Cytogenetic location: 15q26.1.
Variant type: single nucleotide variant.
Coding change: c.1193G>A on transcript NM_018668.5 (MANE Select); coding-DNA position 1193, G replaced by A.
Protein change: p.Arg398His; replaces arginine 398 with histidine.
Molecular consequence: missense variant.
Genome position (GRCh38, 1-based): chr15:91,004,909, C>T on the plus strand (G>A on the coding strand, the complement: VPS33B is on the minus strand). VCF-style: chr15-91004909-C-T. GRCh37 (hg19) VCF-style: chr15-91548139-C-T.
Other names: c.1112G>A, p.Arg371His (NM_001289148.1); c.920G>A, p.Arg307His (NM_001289149.1); c.1193G>A (NM_018668.4); short protein forms R307H, R371H, R398H.
Identifiers: ClinVar variation 1309125 (VCV001309125.38), dbSNP rs762843831, ClinGen allele CA7744744.
Genomic context (GRCh38, chr15:91,004,909, plus strand): 5'-ATTCTCATCTTCAGTCTTTTGGGCTCACCATTCTCAGTGATGGACAAAAGGCACATGAGG[C>T]GCAGGCTTTCTATAGGCGACACCTGCATAGGAAGAAAGAATCAAGGAGAATTGAAGCTTC-3'
Protein context (NP_061138.3, residues 388-408): DRQVSPIESL[Arg398His]LMCLLSITEN

ClinVar aggregate classification (germline): Uncertain significance. Review status: criteria provided, multiple submitters, no conflicts (2 of 4 stars). 6 submissions from 6 submitters: Uncertain significance (5). 1 of the submissions does not count toward it. Last evaluated 2025-12-30.

Conditions:
Inborn genetic diseases. Identifiers: MedGen C0950123, MeSH D030342.
VPS33B-related disorder. Also called: VPS33B-related condition.

Allele frequency attached by ClinVar (database versions not stated): gnomAD 0.00004 and 0.00005; ExAC 0.00007.
gnomAD v4.1: 104 of 1,614,040 alleles (0.0064%); highest among the groups gnomAD compares: South Asian, 0.036%; no homozygotes.

Submissions (6):

Labcorp Genetics (formerly Invitae), Labcorp
Classification: Uncertain significance. Last evaluated: 2025-12-30. Review status: criteria provided, single submitter. Criteria: Invitae Variant Classification Sherloc (09022015). Collection method: clinical testing. Allele origin: germline.
Comment: This sequence change replaces arginine, which is basic and polar, with histidine, which is basic and polar, at codon 398 of the VPS33B protein (p.Arg398His). This variant is present in population databases (rs762843831, gnomAD 0.04%). This variant has not been reported in the literature in individuals affected with VPS33B-related conditions. ClinVar contains an entry for this variant (Variation ID: 1309125). Invitae Evidence Modeling of protein sequence and biophysical properties (such as structural, functional, and spatial information, amino acid conservation, physicochemical variation, residue mobility, and thermodynamic stability) indicates that this missense variant is expected to disrupt VPS33B protein function with a positive predictive value of 80%. In summary, the available evidence is currently insufficient to determine the role of this variant in disease. Therefore, it has been classified as a Variant of Uncertain Significance.

Blueprint Genetics
Classification: Uncertain significance. Last evaluated: 2024-10-04. Review status: criteria provided, single submitter. Criteria: ACMG Guidelines, 2015. Collection method: clinical testing. Allele origin: germline.

Ambry Genetics
Classification: Uncertain significance for Inborn genetic diseases. Last evaluated: 2023-07-14. Review status: criteria provided, single submitter. Criteria: Ambry Variant Classification Scheme 2023. Collection method: clinical testing. Allele origin: germline.

CeGaT Center for Human Genetics Tuebingen
Classification: Uncertain significance. Last evaluated: 2022-09-01. Review status: criteria provided, single submitter. Criteria: CeGaT Center For Human Genetics Tuebingen Variant Classification Criteria Version 2. Collection method: clinical testing. Allele origin: germline. Affected: yes. Observed: 1 variant allele.
Comment: VPS33B: PM2:Supporting

GeneDx
Classification: Uncertain significance. Last evaluated: 2019-10-16. Review status: criteria provided, single submitter. Criteria: GeneDx Variant Classification Process June 2021. Collection method: clinical testing. Allele origin: germline. Affected: yes.
Comment: In silico analysis, which includes protein predictors and evolutionary conservation, supports a deleterious effect; Has not been previously published as pathogenic or benign to our knowledge

PreventionGenetics, part of Exact Sciences
Classification: Uncertain significance for VPS33B-related condition. Last evaluated: 2023-12-08. Review status: no assertion criteria provided. Collection method: clinical testing. Allele origin: germline. Not counted in ClinVar's aggregate classification.
Comment: The VPS33B c.1193G>A variant is predicted to result in the amino acid substitution p.Arg398His. To our knowledge, this variant has not been reported in the literature. This variant is reported in 0.036% of alleles in individuals of South Asian descent in gnomAD. At this time, the clinical significance of this variant is uncertain due to the absence of conclusive functional and genetic evidence.